The following is an entry in ClinVar:

ClinVar aggregate classification (germline): Uncertain significance (1 of 4 stars; one submission).

Conditions:
Combined immunodeficiency due to OX40 deficiency. Also called: OX40 DEFICIENCY; Immunodeficiency 16. Identifiers: Orphanet 431149, MedGen C3810053, MONDO:0014268, OMIM 615593.

Submission:

Labcorp Genetics (formerly Invitae), Labcorp
Classification: Uncertain significance for Combined immunodeficiency due to OX40 deficiency. Last evaluated: 2025-01-23. Review status: criteria provided, single submitter. Criteria: Invitae Variant Classification Sherloc (09022015). Collection method: clinical testing. Allele origin: germline.
Comment: This sequence change replaces serine, which is neutral and polar, with threonine, which is neutral and polar, at codon 134 of the TNFRSF4 protein (p.Ser134Thr). This variant is not present in population databases (gnomAD no frequency). This variant has not been reported in the literature in individuals affected with TNFRSF4-related conditions. Invitae Evidence Modeling of protein sequence and biophysical properties (such as structural, functional, and spatial information, amino acid conservation, physicochemical variation, residue mobility, and thermodynamic stability) has been performed for this missense variant. However, the output from this modeling did not meet the statistical confidence thresholds required to predict the impact of this variant on TNFRSF4 protein function. In summary, the available evidence is currently insufficient to determine the role of this variant in disease. Therefore, it has been classified as a Variant of Uncertain Significance.

NM_003327.4(TNFRSF4):c.400T>A (p.Ser134Thr)

Gene: TNFRSF4 (TNF receptor superfamily member 4; minus strand). Cytogenetic location: 1p36.33.
Variant type: single nucleotide variant.
Coding change: c.400T>A on transcript NM_003327.4 (MANE Select); coding-DNA position 400, T replaced by A.
Protein change: p.Ser134Thr; replaces serine 134 with threonine.
Molecular consequence: missense variant.
Genome position (GRCh38, 1-based): chr1:1,212,675, A>T on the plus strand (T>A on the coding strand, the complement: TNFRSF4 is on the minus strand). VCF-style: chr1-1212675-A-T. GRCh37 (hg19) VCF-style: chr1-1148055-A-T.
Other names: c.400T>A, p.Ser134Thr (NM_001410709.1); short protein forms S134T.
Identifiers: ClinVar variation 3623558 (VCV003623558.2).
Genomic context (GRCh38, chr1:1,212,675, plus strand): 5'-CAGCCCCTGGCCAGGCCCCTCACTTGGTCCAGGGCTTGCAGGCCTGGTTGTCGCCTGGGG[A>T]GAAGTGCCCTGGAGGGCAGGGGGCACAGTCTGCAACAAAGATAGGGTGGTCAGGGGCTGC-3'
Protein context (NP_003318.1, residues 124-144): DCAPCPPGHF[Ser134Thr]PGDNQACKPW